The following is an entry in ClinVar:

NM_001351132.2(PEX5):c.1052T>C (p.Leu351Pro)

Gene: PEX5 (peroxisomal biogenesis factor 5; plus strand). Cytogenetic location: 12p13.31.
Variant type: single nucleotide variant.
Coding change: c.1052T>C on transcript NM_001351132.2 (MANE Select); coding-DNA position 1052, T replaced by C.
Protein change: p.Leu351Pro; replaces leucine 351 with proline.
Molecular consequence: missense variant.
Genome position (GRCh38, 1-based): chr12:7,207,744, T>C. VCF-style: chr12-7207744-T-C. GRCh37 (hg19) VCF-style: chr12-7360340-T-C.
Other names: c.1028T>C, p.Leu343Pro (NM_000319.5); c.1097T>C, p.Leu366Pro (NM_001131023.2); c.941T>C, p.Leu314Pro (NM_001131024.2, NM_001351137.3, NM_001374645.1 and 7 more transcripts); c.1052T>C, p.Leu351Pro (NM_001351133.2, NM_001351134.2, NM_001131025.2 and 4 more transcripts); c.986T>C, p.Leu329Pro (NM_001351135.3, NM_001351138.2); c.1043T>C, p.Leu348Pro (NM_001351136.2); c.917T>C, p.Leu306Pro (NM_001351139.2, NM_001351140.2, NM_001374649.2); short protein forms L306P, L314P, L329P, L343P, L348P, L351P, L366P.
Identifiers: ClinVar variation 1014978 (VCV001014978.8), dbSNP rs1220028381, ClinGen allele CA383730629.
Genomic context (GRCh38, chr12:7,207,744, plus strand): 5'-CCTTGCGTGATCACCCTCAGCCTTTTGAAGAAGGGCTGCGGCGCCTTCAGGAGGGGGACC[T>C]GCCAAATGCTGTGCTGCTTTTTGAGGCAGCTGTGCAGCAGGATCCTAAGCACATGGAAGT-3'
Protein context (NP_001338061.1, residues 341-361): EGLRRLQEGD[Leu351Pro]PNAVLLFEAA

ClinVar aggregate classification (germline): Uncertain significance. Review status: criteria provided, multiple submitters, no conflicts (2 of 4 stars). 3 submissions from 3 submitters: Uncertain significance (3). Last evaluated 2022-11-03.

Conditions:
Peroxisome biogenesis disorder 2A (Zellweger) (PBD2A). Also called: Cerebrohepatorenal syndrome, variant types. Identifiers: Orphanet 912, MedGen C3550273, MONDO:0008954, OMIM 214110.
Peroxisome biogenesis disorder 2B (PBD2B). Identifiers: Orphanet 44, MedGen C3550234, MONDO:0008736, OMIM 202370.

Allele frequency attached by ClinVar (database versions not stated): gnomAD exomes below 0.00001; gnomAD 0.00001; TOPMed 0.00004.

Submissions (3):

Blueprint Genetics
Classification: Uncertain significance. Last evaluated: 2022-11-03. Review status: criteria provided, single submitter. Criteria: ACMG Guidelines, 2015. Collection method: clinical testing. Allele origin: germline.

Labcorp Genetics (formerly Invitae), Labcorp
Classification: Uncertain significance for Peroxisome biogenesis disorder 2B. Last evaluated: 2022-10-13. Review status: criteria provided, single submitter. Criteria: Invitae Variant Classification Sherloc (09022015). Collection method: clinical testing. Allele origin: germline.
Comment: This sequence change replaces leucine, which is neutral and non-polar, with proline, which is neutral and non-polar, at codon 351 of the PEX5 protein (p.Leu351Pro). This variant is not present in population databases (gnomAD no frequency). This variant has not been reported in the literature in individuals affected with PEX5-related conditions. ClinVar contains an entry for this variant (Variation ID: 1014978). Advanced modeling of protein sequence and biophysical properties (such as structural, functional, and spatial information, amino acid conservation, physicochemical variation, residue mobility, and thermodynamic stability) performed at Invitae indicates that this missense variant is expected to disrupt PEX5 protein function. In summary, the available evidence is currently insufficient to determine the role of this variant in disease. Therefore, it has been classified as a Variant of Uncertain Significance.

Baylor Genetics
Classification: Uncertain significance for Peroxisome biogenesis disorder 2A (Zellweger). Last evaluated: 2018-02-22. Review status: criteria provided, single submitter. Criteria: ACMG Guidelines, 2015. Collection method: clinical testing. Allele origin: unknown. Affected: yes.
Comment: This variant was determined to be of uncertain significance according to ACMG Guidelines, 2015 [PMID:25741868].